The following is an entry in ClinVar:

NM_001164508.2(NEB):c.18865C>T (p.Arg6289Ter)

Gene: NEB (nebulin; minus strand). Cytogenetic location: 2q23.3.
Variant type: single nucleotide variant.
Coding change: c.18865C>T on transcript NM_001164508.2 (MANE Select); coding-DNA position 18865, C replaced by T.
Protein change: p.Arg6289Ter; replaces arginine 6289 with a stop codon.
Molecular consequence: nonsense.
Genome position (GRCh38, 1-based): chr2:151,562,637, G>A on the plus strand (C>T on the coding strand, the complement: NEB is on the minus strand). VCF-style: chr2-151562637-G-A. GRCh37 (hg19) VCF-style: chr2-152419151-G-A.
Other names: c.18865C>T, p.Arg6289Ter (NM_001164507.2, NM_001271208.2); c.13762C>T, p.Arg4588Ter (NM_004543.5); short protein forms R6289*, R4588*.
Identifiers: ClinVar variation 553276 (VCV000553276.15), dbSNP rs539819851, ClinGen allele CA1907832.

ClinVar aggregate classification (germline): Pathogenic/Likely pathogenic. Review status: criteria provided, multiple submitters, no conflicts (2 of 4 stars). 8 submissions from 8 submitters: Pathogenic (4); Likely pathogenic (3). 1 of the submissions does not count toward it. Last evaluated 2025-11-18.

Conditions:
Nemaline myopathy 2 (NEM2). Also called: Nemaline myopathy 2, autosomal recessive. Identifiers: MedGen C1850569, MONDO:0009725, OMIM 256030.
NEB-related disorder. Also called: NEB-Related Disorders; NEB-related condition.
Arthrogryposis multiplex congenita 6. Identifiers: MedGen C5543431, MONDO:0030281, OMIM 619334.

Allele frequency attached by ClinVar (database versions not stated): TOPMed below 0.00001; ExAC 0.00001; gnomAD exomes 0.00001.
gnomAD v4.1: 6 of 1,580,872 alleles (0.00038%); highest among the groups gnomAD compares: Admixed American, 0.0017%; no homozygotes.

Submissions (8):

Labcorp Genetics (formerly Invitae), Labcorp
Classification: Pathogenic for Nemaline myopathy 2. Last evaluated: 2025-11-18. Review status: criteria provided, single submitter. Criteria: Invitae Variant Classification Sherloc (09022015). Collection method: clinical testing. Allele origin: germline.
Comment: This sequence change creates a premature translational stop signal (p.Arg6289*) in the NEB gene. It is expected to result in an absent or disrupted protein product. Loss-of-function variants in NEB are known to be pathogenic (PMID: 25205138). The frequency data for this variant in the population databases is considered unreliable, as metrics indicate poor data quality at this position in the gnomAD database. This variant has not been reported in the literature in individuals affected with NEB-related conditions. ClinVar contains an entry for this variant (Variation ID: 553276). Algorithms developed to predict the effect of sequence changes on RNA splicing suggest that this variant may disrupt the consensus splice site. For these reasons, this variant has been classified as Pathogenic.

PreventionGenetics, part of Exact Sciences
Classification: Likely pathogenic for NEB-related condition. Last evaluated: 2025-08-27. Review status: criteria provided, single submitter. Criteria: ACMG Guidelines, 2015. Collection method: clinical testing. Allele origin: germline.
Comment: The NEB c.18865C>T variant is predicted to result in premature protein termination (p.Arg6289*). To our knowledge this variant has not been reported in the literature in individuals with NEB-related disorders. This variant is reported in 0.0030% of alleles in individuals of Latino descent in gnomAD. Nonsense variants in NEB are expected to be pathogenic. This variant is interpreted as likely pathogenic.

Natera, Inc.
Classification: Likely pathogenic for Nemaline myopathy type 2. Last evaluated: 2024-08-18. Review status: criteria provided, single submitter. Criteria: Natera Variant Classification Schema (03/2026). Collection method: clinical testing. Allele origin: germline.
Comment: The c.18865C>T variant in NEB is a nonsense variant predicted to introduce a stop codon at amino acid 6289. This variant is expected to result in nonsense mediated decay, truncation, or a dysfunctional protein product. This variant is rare in the general population with a frequency below the threshold expected for the associated phenotype(s). Given the available evidence, this variant is classified as Likely Pathogenic.

3billion
Classification: Pathogenic for Nemaline myopathy 2. Last evaluated: 2024-04-11. Review status: criteria provided, single submitter. Criteria: ACMG Guidelines, 2015. Collection method: clinical testing. Allele origin: germline. Affected: yes.
Comment: The variant is observed at an extremely low frequency in the gnomAD v4.0.0 dataset (total allele frequency: <0.001%). Predicted Consequence/Location: Stop-gained (nonsense): predicted to result in a loss or disruption of normal protein function through nonsense-mediated decay (NMD) or protein truncation. Multiple pathogenic variants are reported downstream of the variant. The variant has been reported at least twice as pathogenic with clinical assertions and evidence for the classification (ClinVar ID: VCV000553276). Therefore, this variant is classified as Pathogenic according to the recommendation of ACMG/AMP guideline.

Baylor Genetics
Classification: Likely pathogenic for Arthrogryposis multiplex congenita 6. Last evaluated: 2023-09-11. Review status: criteria provided, single submitter. Criteria: ACMG Guidelines, 2015. Collection method: clinical testing. Allele origin: unknown.

Greenwood Genetic Center Diagnostic Laboratories, Greenwood Genetic Center
Classification: Pathogenic for NEB-related disorder. Last evaluated: 2023-03-07. Review status: criteria provided, single submitter. Criteria: ACMG Guidelines, 2015. Collection method: clinical testing. Allele origin: germline. Affected: yes.
Comment: PVS1, PS3_Moderate, PM2

Juno Genomics, Hangzhou Juno Genomics, Inc
Classification: Pathogenic for Nemaline myopathy 2. Review status: criteria provided, single submitter. Criteria: ACMG Guidelines, 2015. Collection method: clinical testing. Allele origin: germline. Affected: yes.
Comment: Absent from controls (or at extremely low frequency if recessive) in Genome Aggregation Database, Exome Sequencing Project, 1000 Genomes Project, or Exome Aggregation Consortium.;Null variant in a gene where loss of function (LOF) is a known mechanism of disease.;For recessive disorders, detected in trans with a pathogenic variant.

Counsyl
Classification: Likely pathogenic for Nemaline myopathy 2. Last evaluated: 2017-08-10. Review status: no assertion criteria provided. Collection method: clinical testing. Allele origin: unknown. Not counted in ClinVar's aggregate classification.

Literature cited by the submitters: PubMed 25205138 (cited by Labcorp Genetics (formerly Invitae), Labcorp).